The following is an entry in ClinVar:

NM_000548.5(TSC2):c.273G>A (p.Pro91=)

Gene: TSC2 (TSC complex subunit 2; plus strand). Cytogenetic location: 16p13.3.
Variant type: single nucleotide variant.
Coding change: c.273G>A on transcript NM_000548.5 (MANE Select); coding-DNA position 273, G replaced by A.
Protein change: p.Pro91=; no amino-acid change (proline 91 retained).
Molecular consequence: synonymous variant. On other transcripts: intron variant (2).
Genome position (GRCh38, 1-based): chr16:2,053,389, G>A. VCF-style: chr16-2053389-G-A. GRCh37 (hg19) VCF-style: chr16-2103390-G-A.
Other names: c.273G>A, p.Pro91= (NM_001077183.3, NM_001114382.3, NM_001363528.2 and 3 more transcripts); c.126G>A, p.Pro42= (NM_001318829.2); c.306G>A, p.Pro102= (NM_001318832.2); c.226-907G>A (NM_001318827.2); c.-1-2807G>A (NM_001318831.2).
Identifiers: ClinVar variation 413680 (VCV000413680.39), dbSNP rs772296140, ClinGen allele CA041112.

ClinVar aggregate classification (germline): Benign/Likely benign. Review status: criteria provided, multiple submitters, no conflicts (2 of 4 stars). 8 submissions from 8 submitters: Benign (2); Likely benign (6). Last evaluated 2025-11-02.

Conditions:
Hereditary cancer-predisposing syndrome. Also called: Tumor predisposition; Hereditary neoplastic syndrome; Hereditary Cancer Syndrome; Neoplastic Syndromes, Hereditary. Identifiers: Orphanet 140162, MedGen C0027672, MeSH D009386, MONDO:0015356.
Tuberous sclerosis syndrome (TSC). Also called: Tuberous Sclerosis Complex; Tuberous sclerosis. Identifiers: Orphanet 805, MedGen C0041341, MONDO:0001734.
Tuberous sclerosis 2 (TSC2). Identifiers: Orphanet 805, MedGen C1860707, MONDO:0013199, OMIM 613254.

Allele frequency attached by ClinVar (database versions not stated): gnomAD 0.00001; TOPMed 0.00001; ExAC 0.00009.
gnomAD v4.1: 22 of 1,592,390 alleles (0.0014%); highest among the groups gnomAD compares: East Asian, 0.0023%; no homozygotes.

Submissions (8):

Labcorp Genetics (formerly Invitae), Labcorp
Classification: Likely benign for Tuberous sclerosis 2. Last evaluated: 2025-11-02. Review status: criteria provided, single submitter. Criteria: Invitae Variant Classification Sherloc (09022015). Collection method: clinical testing. Allele origin: germline.

Myriad Genetics, Inc.
Classification: Benign for Tuberous sclerosis 2. Last evaluated: 2025-05-02. Review status: criteria provided, single submitter. Criteria: Myriad Autosomal Dominant, Autosomal Recessive and X-Linked Classification Criteria (2023). Collection method: clinical testing. Allele origin: unknown.
Comment: This variant is considered benign. This variant is a silent/synonymous amino acid change and it is not expected to impact splicing.

CeGaT Center for Human Genetics Tuebingen
Classification: Likely benign. Last evaluated: 2024-06-01. Review status: criteria provided, single submitter. Criteria: CeGaT Center For Human Genetics Tuebingen Variant Classification Criteria Version 2. Collection method: clinical testing. Allele origin: germline. Affected: yes. Observed: 1 variant allele.
Comment: TSC2: BP4, BP7

All of Us Research Program, National Institutes of Health
Classification: Likely benign for Tuberous sclerosis syndrome. Last evaluated: 2023-07-22. Review status: criteria provided, single submitter. Criteria: ACMG Guidelines, 2015. Collection method: clinical testing. Allele origin: germline. Inheritance: Autosomal dominant inheritance. Observed: 1 variant allele, 1 heterozygote.
Comment: This study involves interpretation of variants in research participants for the purpose of population health screening. Participant phenotype was not available at the time of variant classification. Additional details can be found in publication PMID: 35346344, PMCID: PMC8962531

Color Diagnostics, LLC DBA Color Health
Classification: Likely benign for Tuberous sclerosis syndrome. Last evaluated: 2022-09-09. Review status: criteria provided, single submitter. Criteria: ACMG Guidelines, 2015. Collection method: clinical testing. Allele origin: germline.

Genome-Nilou Lab
Classification: Benign for Tuberous sclerosis 2. Last evaluated: 2021-11-07. Review status: criteria provided, single submitter. Criteria: ACMG Guidelines, 2015. Collection method: clinical testing. Allele origin: germline. Affected: no.

GeneDx
Classification: Likely benign. Last evaluated: 2020-03-11. Review status: criteria provided, single submitter. Criteria: GeneDx Variant Classification Process June 2021. Collection method: clinical testing. Allele origin: germline. Affected: yes.

Ambry Genetics
Classification: Likely benign for Hereditary cancer-predisposing syndrome. Last evaluated: 2018-11-21. Review status: criteria provided, single submitter. Criteria: Ambry Variant Classification Scheme 2023. Collection method: clinical testing. Allele origin: germline.